The following is an entry in ClinVar:

NM_006949.4(STXBP2):c.776T>C (p.Ile259Thr)

Gene: STXBP2 (syntaxin binding protein 2; plus strand). Cytogenetic location: 19p13.2.
Variant type: single nucleotide variant.
Coding change: c.776T>C on transcript NM_006949.4 (MANE Select); coding-DNA position 776, T replaced by C.
Protein change: p.Ile259Thr; replaces isoleucine 259 with threonine.
Molecular consequence: missense variant. On other transcripts: non-coding transcript variant (1).
Genome position (GRCh38, 1-based): chr19:7,642,315, T>C. VCF-style: chr19-7642315-T-C. GRCh37 (hg19) VCF-style: chr19-7707201-T-C.
Other names: c.767T>C, p.Ile256Thr (NM_001127396.3); c.809T>C, p.Ile270Thr (NM_001272034.2); c.776T>C (NM_006949.2); short protein forms I259T, I256T, I270T.
Identifiers: ClinVar variation 652017 (VCV000652017.7), dbSNP rs764336756, ClinGen allele CA9143785.

ClinVar aggregate classification (germline): Uncertain significance. Review status: criteria provided, multiple submitters, no conflicts (2 of 4 stars). 3 submissions from 3 submitters: Uncertain significance (3). Last evaluated 2026-01-07.

Conditions:
Inborn genetic diseases. Identifiers: MedGen C0950123, MeSH D030342.
Familial hemophagocytic lymphohistiocytosis 5. Also called: STXBP2-Related Familial Hemophagocytic Lymphohistiocytosis (STXBP2-fHLH). Identifiers: Orphanet 540, MedGen C2751293, MONDO:0013135, OMIM 613101.

Allele frequency attached by ClinVar (database versions not stated): TOPMed below 0.00001; ExAC 0.00001; gnomAD 0.00001; gnomAD exomes 0.00002 and 0.00005.
gnomAD v4.1: 72 of 1,613,944 alleles (0.0045%); highest among the groups gnomAD compares: Non-Finnish European, 0.006%; no homozygotes.

Submissions (3):

Labcorp Genetics (formerly Invitae), Labcorp
Classification: Uncertain significance for Familial hemophagocytic lymphohistiocytosis 5. Last evaluated: 2026-01-07. Review status: criteria provided, single submitter. Criteria: Invitae Variant Classification Sherloc (09022015). Collection method: clinical testing. Allele origin: germline.
Comment: This sequence change replaces isoleucine, which is neutral and non-polar, with threonine, which is neutral and polar, at codon 259 of the STXBP2 protein (p.Ile259Thr). This variant is present in population databases (rs764336756, gnomAD 0.004%). This variant has not been reported in the literature in individuals affected with STXBP2-related conditions. ClinVar contains an entry for this variant (Variation ID: 652017). Invitae Evidence Modeling of protein sequence and biophysical properties (such as structural, functional, and spatial information, amino acid conservation, physicochemical variation, residue mobility, and thermodynamic stability) indicates that this missense variant is expected to disrupt STXBP2 protein function with a positive predictive value of 95%. In summary, the available evidence is currently insufficient to determine the role of this variant in disease. Therefore, it has been classified as a Variant of Uncertain Significance.

Ambry Genetics
Classification: Uncertain significance for Inborn genetic diseases. Last evaluated: 2023-12-15. Review status: criteria provided, single submitter. Criteria: Ambry Variant Classification Scheme 2023. Collection method: clinical testing. Allele origin: germline.

Blueprint Genetics
Classification: Uncertain significance. Last evaluated: 2022-11-21. Review status: criteria provided, single submitter. Criteria: ACMG Guidelines, 2015. Collection method: clinical testing. Allele origin: germline.